The following is an entry in ClinVar:

ClinVar aggregate classification (germline): Uncertain significance. Review status: criteria provided, multiple submitters, no conflicts (2 of 4 stars). 2 submissions from 2 submitters: Uncertain significance (2). Last evaluated 2024-06-16.

Conditions:
Inborn genetic diseases. Identifiers: MedGen C0950123, MeSH D030342.

Allele frequency attached by ClinVar (database versions not stated): ExAC 0.00002; gnomAD 0.00003; TOPMed 0.00003; ESP Exome Variant Server 0.00008.
gnomAD v4.1: 117 of 1,613,468 alleles (0.0073%); highest among the groups gnomAD compares: Non-Finnish European, 0.0092%; no homozygotes.

Submissions (2):

Ambry Genetics
Classification: Uncertain significance for Inborn genetic diseases. Last evaluated: 2024-06-16. Review status: criteria provided, single submitter. Criteria: Ambry Variant Classification Scheme 2023. Collection method: clinical testing. Allele origin: germline.

GeneDx
Classification: Uncertain significance. Last evaluated: 2023-01-12. Review status: criteria provided, single submitter. Criteria: GeneDx Variant Classification Process June 2021. Collection method: clinical testing. Allele origin: germline. Affected: yes.
Comment: Not observed at significant frequency in large population cohorts (gnomAD); In silico analysis supports that this missense variant does not alter protein structure/function; Has not been previously published as pathogenic or benign to our knowledge

NM_213622.4(STAMBP):c.348A>C (p.Lys116Asn)

Gene: STAMBP (STAM binding protein; plus strand). Cytogenetic location: 2p13.1.
Variant type: single nucleotide variant.
Coding change: c.348A>C on transcript NM_213622.4 (MANE Select); coding-DNA position 348, A replaced by C.
Protein change: p.Lys116Asn; replaces lysine 116 with asparagine.
Molecular consequence: missense variant. On other transcripts: 5 prime UTR variant (6), non-coding transcript variant (4).
Genome position (GRCh38, 1-based): chr2:73,845,235, A>C. VCF-style: chr2-73845235-A-C. GRCh37 (hg19) VCF-style: chr2-74072362-A-C.
Other names: c.348A>C, p.Lys116Asn (NM_001353967.2, NM_001353968.2, NM_001353969.2 and 3 more transcripts); c.-58A>C (NM_001353971.2, NM_001353972.2, NM_001353973.2 and 3 more transcripts); c.348A>C (NM_213622.2); short protein forms K116N.
Identifiers: ClinVar variation 1722947 (VCV001722947.3), dbSNP rs139293928, ClinGen allele CA1717511.